The following is an entry in ClinVar:

ClinVar aggregate classification (germline): Pathogenic/Likely pathogenic. Review status: criteria provided, multiple submitters, no conflicts (2 of 4 stars). 3 submissions from 3 submitters: Pathogenic (1); Likely pathogenic (2). Last evaluated 2024-01-04.

Conditions:
Ehlers-Danlos syndrome due to tenascin-X deficiency (EDSCLL1). Also called: EHLERS-DANLOS SYNDROME, CLASSIC-LIKE; Ehlers-Danlos syndrome, classic-like, 1; TNX DEFICIENCY; TNXB-Related Classical-Like Ehlers-Danlos Syndrome; EDS DUE TO TNX DEFICIENCY. Identifiers: Orphanet 230839, MedGen C1848029, MONDO:0011670, OMIM 606408.
Vesicoureteral reflux 8 (VUR8). Identifiers: Orphanet 289365, MedGen C4014831, MONDO:0014422, OMIM 615963.
Cardiovascular phenotype. Identifiers: MedGen CN230736.
Ehlers-Danlos syndrome (EDS). Identifiers: Orphanet 98249, MedGen C0013720, MONDO:0020066.

Submissions (3):

Fulgent Genetics
Classification: Likely pathogenic for Ehlers-Danlos syndrome due to tenascin-X deficiency; Vesicoureteral reflux 8. Last evaluated: 2024-01-04. Review status: criteria provided, single submitter. Criteria: ACMG Guidelines, 2015. Collection method: clinical testing. Allele origin: germline.

Genome Diagnostics Laboratory, The Hospital for Sick Children
Classification: Likely pathogenic for Ehlers-Danlos syndrome. Last evaluated: 2019-12-01. Review status: criteria provided, single submitter. Criteria: ACMG Guidelines, 2015. Collection method: clinical testing. Allele origin: germline.

Ambry Genetics
Classification: Pathogenic for Cardiovascular phenotype. Last evaluated: 2019-06-18. Review status: criteria provided, single submitter. Criteria: Ambry Variant Classification Scheme 2023. Collection method: clinical testing. Allele origin: germline.
Comment: The c.3942dupT pathogenic mutation, located in coding exon 9 of the TNXB gene, results from a duplication of one nucleotide at nucleotide position 3942, causing a translational frameshift with a predicted alternate stop codon (p.T1315Yfs*12). This alteration is expected to result in loss of function by premature protein truncation or nonsense-mediated mRNA decay. As such, this alteration is interpreted as a disease-causing mutation.

NM_001365276.2(TNXB):c.3942dup (p.Thr1315fs)

Gene: TNXB (tenascin XB; minus strand). Cytogenetic location: 6p21.33.
Variant type: Duplication.
Coding change: c.3942dup on transcript NM_001365276.2 (MANE Select); coding-DNA position 3942, one base duplicated (T; older notation c.3942dupT).
Protein change: p.Thr1315fs; shifts the reading frame from threonine 1315.
Molecular consequence: frameshift variant.
Genome position (GRCh38, 1-based): chr6:32,081,468, A duplicated on the plus strand (T on the coding strand, the reverse complement: TNXB is on the minus strand); the first of 2 consecutive A bases (chr6:32,081,468-32,081,469); duplicating either gives the same sequence. VCF-style (leftmost placement, unchanged base first): chr6-32081467-T-TA. GRCh37 (hg19) VCF-style: chr6-32049244-T-TA.
Other names: c.3942dup, p.Thr1315fs (NM_019105.8); short protein forms T1315fs.
Identifiers: ClinVar variation 1702327 (VCV001702327.6), dbSNP rs2127254498, ClinGen allele CA2580074300.